The following is an entry in ClinVar:

NM_001160372.4(TRAPPC9):c.1537A>T (p.Lys513Ter)

Gene: TRAPPC9 (trafficking protein particle complex subunit 9; minus strand). Cytogenetic location: 8q24.3.
Variant type: single nucleotide variant.
Coding change: c.1537A>T on transcript NM_001160372.4 (MANE Select); coding-DNA position 1537, A replaced by T.
Protein change: p.Lys513Ter; replaces lysine 513 with a stop codon.
Molecular consequence: nonsense. On other transcripts: non-coding transcript variant (1).
Genome position (GRCh38, 1-based): chr8:140,311,333, T>A on the plus strand (A>T on the coding strand, the complement: TRAPPC9 is on the minus strand). VCF-style: chr8-140311333-T-A. GRCh37 (hg19) VCF-style: chr8-141321432-T-A.
Other names: c.1510A>T, p.Lys504Ter (NM_001321646.2); c.1558A>T, p.Lys520Ter (NM_001374682.1); c.1537A>T, p.Lys513Ter (NM_001374683.1, NM_031466.8); c.1393A>T, p.Lys465Ter (NM_001374684.1); short protein forms K465*, K513*, K520*, K504*.
Identifiers: ClinVar variation 2092625 (VCV002092625.6), dbSNP rs2066292405, ClinGen allele CA372316250.

ClinVar aggregate classification (germline): Pathogenic/Likely pathogenic. Review status: criteria provided, multiple submitters, no conflicts (2 of 4 stars). 2 submissions from 2 submitters: Pathogenic (1); Likely pathogenic (1). Last evaluated 2025-10-17.

Allele frequency attached by ClinVar (database versions not stated): gnomAD exomes below 0.00001.
gnomAD v4.1: 3 of 1,614,052 alleles (0.00019%); highest among the groups gnomAD compares: Non-Finnish European, 0.00025%; no homozygotes.

Submissions (2):

Dasa
Classification: Likely pathogenic. Last evaluated: 2025-10-17. Review status: criteria provided, single submitter. Criteria: DASA Assertion Criteria. Collection method: clinical testing. Allele origin: germline.
Comment: NM_001160372.4(TRAPPC9):c.1537A>T (p.Lys513*) is a nonsense variant in TRAPPC9 predicted to introduce a premature termination codon and is predicted to result in an absent or altered protein product. Loss of function is an established disease mechanism for TRAPPC9-associated disorders. Also, this variant is rare in population databases. Based on the currently available evidence, this variant is classified as likely pathogenic.

Labcorp Genetics (formerly Invitae), Labcorp
Classification: Pathogenic. Last evaluated: 2025-06-02. Review status: criteria provided, single submitter. Criteria: Invitae Variant Classification Sherloc (09022015). Collection method: clinical testing. Allele origin: germline.
Comment: This sequence change creates a premature translational stop signal (p.Lys611*) in the TRAPPC9 gene. It is expected to result in an absent or disrupted protein product. Loss-of-function variants in TRAPPC9 are known to be pathogenic (PMID: 2000476, 20004763, 20004764). This variant is not present in population databases (gnomAD no frequency). This variant has not been reported in the literature in individuals affected with TRAPPC9-related conditions. ClinVar contains an entry for this variant (Variation ID: 2092625). For these reasons, this variant has been classified as Pathogenic.

Literature cited by the submitters: PubMed 2000476 (cited by Labcorp Genetics (formerly Invitae), Labcorp); PubMed 20004763 (cited by Labcorp Genetics (formerly Invitae), Labcorp); PubMed 20004764 (cited by Labcorp Genetics (formerly Invitae), Labcorp).